The following is an entry in ClinVar:

NM_005219.5(DIAPH1):c.3127C>T (p.His1043Tyr)

Gene: DIAPH1 (diaphanous related formin 1; minus strand). Cytogenetic location: 5q31.3.
Variant type: single nucleotide variant.
Coding change: c.3127C>T on transcript NM_005219.5 (MANE Select); coding-DNA position 3127, C replaced by T.
Protein change: p.His1043Tyr; replaces histidine 1043 with tyrosine.
Molecular consequence: missense variant.
Genome position (GRCh38, 1-based): chr5:141,528,474, G>A on the plus strand (C>T on the coding strand, the complement: DIAPH1 is on the minus strand). VCF-style: chr5-141528474-G-A. GRCh37 (hg19) VCF-style: chr5-140908041-G-A.
Other names: c.3100C>T, p.His1034Tyr (NM_001079812.3); c.3127C>T, p.His1043Tyr (NM_001314007.2); short protein forms H1043Y, H1034Y.
Identifiers: ClinVar variation 2926067 (VCV002926067.3), dbSNP rs2513624215, ClinGen allele CA361582182.

ClinVar aggregate classification (germline): Uncertain significance (1 of 4 stars; one submission).

Conditions:
Autosomal dominant nonsyndromic hearing loss 1. Also called: KONIGSMARK SYNDROME; DEAFNESS, AUTOSOMAL DOMINANT 1, WITH OR WITHOUT THROMBOCYTOPENIA. Identifiers: Orphanet 90635, MedGen C1852282, MONDO:0007424, OMIM 124900.
Progressive microcephaly-seizures-cortical blindness-developmental delay syndrome. Also called: Seizures, cortical blindness, and microcephaly syndrome. Identifiers: Orphanet 477814, MedGen C5567650, MONDO:0014714, OMIM 616632.

Allele frequency attached by ClinVar (database versions not stated): gnomAD exomes 0.00001.
gnomAD v4.1: 12 of 1,614,196 alleles (0.00074%); highest among the groups gnomAD compares: Non-Finnish European, 0.00093%; no homozygotes.

Submission:

Labcorp Genetics (formerly Invitae), Labcorp
Classification: Uncertain significance for Progressive microcephaly-seizures-cortical blindness-developmental delay syndrome; Autosomal dominant nonsyndromic hearing loss 1. Last evaluated: 2024-01-09. Review status: criteria provided, single submitter. Criteria: Invitae Variant Classification Sherloc (09022015). Collection method: clinical testing. Allele origin: germline.
Comment: This sequence change replaces histidine, which is basic and polar, with tyrosine, which is neutral and polar, at codon 1043 of the DIAPH1 protein (p.His1043Tyr). This variant is not present in population databases (gnomAD no frequency). This variant has not been reported in the literature in individuals affected with DIAPH1-related conditions. An algorithm developed to predict the effect of missense changes on protein structure and function (PolyPhen-2) suggests that this variant is likely to be disruptive. In summary, the available evidence is currently insufficient to determine the role of this variant in disease. Therefore, it has been classified as a Variant of Uncertain Significance.